The following is an entry in ClinVar:

ClinVar aggregate classification (germline): Uncertain significance. Review status: criteria provided, multiple submitters, no conflicts (2 of 4 stars). 3 submissions from 3 submitters: Uncertain significance (2). 1 of the submissions does not count toward it. Last evaluated 2022-07-26.

Conditions:
Senior-Loken syndrome 1 (SLSN1). Also called: JUVENILE NEPHRONOPHTHISIS WITH LEBER AMAUROSIS. Identifiers: Orphanet 3156, MedGen C4551559, MONDO:0009962, OMIM 266900.
Nephronophthisis 1 (NPHP1). Also called: Nephronophthisis familial juvenile. Identifiers: Orphanet 655, Orphanet 93592, MedGen C1855681, MONDO:0009728, OMIM 256100.
Joubert syndrome with renal defect. Also called: JOUBERT SYNDROME 4. Identifiers: Orphanet 220497, MedGen C1846790, MONDO:0012308, OMIM 609583.
Nephronophthisis. Also called: Juvenile Nephronophthisis. Identifiers: Orphanet 655, MedGen C0687120, MONDO:0019005, HP:0000090.
Bardet-Biedl syndrome 1 (BBS1). Identifiers: MedGen C2936862, MONDO:0008854, OMIM 209900. Disease mechanism: loss of function.

Allele frequency attached by ClinVar (database versions not stated): gnomAD exomes below 0.00001 and 0.00001; TOPMed below 0.00001; ExAC 0.00002.
gnomAD v4.1: 4 of 1,613,718 alleles (0.00025%); highest among the groups gnomAD compares: Non-Finnish European, 0.00034%; no homozygotes.

Submissions (3):

Labcorp Genetics (formerly Invitae), Labcorp
Classification: Uncertain significance for Nephronophthisis. Last evaluated: 2022-07-26. Review status: criteria provided, single submitter. Criteria: Invitae Variant Classification Sherloc (09022015). Collection method: clinical testing. Allele origin: germline.
Comment: This sequence change replaces methionine, which is neutral and non-polar, with valine, which is neutral and non-polar, at codon 544 of the NPHP1 protein (p.Met544Val). This variant is present in population databases (rs373953762, gnomAD 0.0009%). This variant has not been reported in the literature in individuals affected with NPHP1-related conditions. ClinVar contains an entry for this variant (Variation ID: 1060670). Algorithms developed to predict the effect of missense changes on protein structure and function output the following: SIFT: "Tolerated"; PolyPhen-2: "Benign"; Align-GVGD: "Class C0". The valine amino acid residue is found in multiple mammalian species, which suggests that this missense change does not adversely affect protein function. Algorithms developed to predict the effect of sequence changes on RNA splicing suggest that this variant may create or strengthen a splice site. In summary, the available evidence is currently insufficient to determine the role of this variant in disease. Therefore, it has been classified as a Variant of Uncertain Significance.

Fulgent Genetics
Classification: Uncertain significance for Nephronophthisis 1; Senior-Loken syndrome 1; Joubert syndrome with renal defect. Last evaluated: 2022-05-25. Review status: criteria provided, single submitter. Criteria: ACMG Guidelines, 2015. Collection method: clinical testing. Allele origin: unknown.

Advanced Center For Translational And Genetic Medicine, Ann & Robert H. Lurie Children's Hospital Of Chicago
Classification: Uncertain significance for Bardet-Biedl syndrome 1. Last evaluated: 2023-05-10. Review status: no assertion criteria provided. Collection method: research. Allele origin: unknown. Affected: yes. Observed: 1 heterozygote. Not counted in ClinVar's aggregate classification.

NM_001128178.3(NPHP1):c.1462A>G (p.Met488Val)

Gene: NPHP1 (nephrocystin 1; minus strand). Cytogenetic location: 2q13.
Variant type: single nucleotide variant.
Coding change: c.1462A>G on transcript NM_001128178.3 (MANE Select); coding-DNA position 1462, A replaced by G.
Protein change: p.Met488Val; replaces methionine 488 with valine.
Molecular consequence: missense variant.
Genome position (GRCh38, 1-based): chr2:110,143,609, T>C on the plus strand (A>G on the coding strand, the complement: NPHP1 is on the minus strand). VCF-style: chr2-110143609-T-C. GRCh37 (hg19) VCF-style: chr2-110901186-T-C.
Other names: c.1630A>G, p.Met544Val (NM_000272.5); c.1273A>G, p.Met425Val (NM_001128179.3); c.1459A>G, p.Met487Val (NM_001374256.1); c.1462A>G, p.Met488Val (NM_001374257.1); c.1627A>G, p.Met543Val (NM_207181.4); short protein forms M425V, M487V, M488V, M543V, M544V.
Identifiers: ClinVar variation 1060670 (VCV001060670.7), dbSNP rs373953762, ClinGen allele CA1827004.